The following is an entry in ClinVar:

ClinVar aggregate classification (germline): Uncertain significance (1 of 4 stars; one submission).

Submission:

Labcorp Genetics (formerly Invitae), Labcorp
Classification: Uncertain significance. Last evaluated: 2025-12-20. Review status: criteria provided, single submitter. Criteria: Invitae Variant Classification Sherloc (09022015). Collection method: clinical testing. Allele origin: germline.
Comment: This sequence change falls in intron 5 of the GATA5 gene. It does not directly change the encoded amino acid sequence of the GATA5 protein. It affects a nucleotide within the consensus splice site. This variant is not present in population databases (gnomAD no frequency). This variant has not been reported in the literature in individuals affected with GATA5-related conditions. Variants that disrupt the consensus splice site are a relatively common cause of aberrant splicing (PMID: 17576681, 9536098). Algorithms developed to predict the effect of sequence changes on RNA splicing suggest that this variant is not likely to affect RNA splicing. In summary, the available evidence is currently insufficient to determine the role of this variant in disease. Therefore, it has been classified as a Variant of Uncertain Significance.

Literature cited by the submitters: PubMed 17576681; PubMed 9536098.

NM_080473.5(GATA5):c.913+4C>A

Gene: GATA5 (GATA binding protein 5; minus strand). Cytogenetic location: 20q13.33.
Variant type: single nucleotide variant.
Coding change: c.913+4C>A on transcript NM_080473.5 (MANE Select); 4 bases into the intron after coding-DNA position 913, C replaced by A.
Molecular consequence: intron variant.
Genome position (GRCh38, 1-based): chr20:62,465,830, G>T on the plus strand (C>A on the coding strand, the complement: GATA5 is on the minus strand). VCF-style: chr20-62465830-G-T. GRCh37 (hg19) VCF-style: chr20-61040886-G-T.
Identifiers: ClinVar variation 4744014 (VCV004744014.1).
Genomic context (GRCh38, chr20:62,465,830, plus strand): 5'-GGAACTGGAGGCACCGAAGGCCACTCCGCAGGAGCGGGGCTGACTGCAGGGCCTGGCCAC[G>T]CACCTGAGGAGCCCCTGGCCTTGGCGATGGTCTTTGGCTTCCGCTTCCGTGTCTGGATGC-3'